The following is an entry in ClinVar:

ClinVar aggregate classification (germline): Uncertain significance (1 of 4 stars; one submission).

Conditions:
Familial thoracic aortic aneurysm and aortic dissection (TAAD). Also called: Thoracic aortic aneurysms and dissections. Identifiers: Orphanet 91387, MedGen C4707243, MONDO:0019625.

Submission:

Ambry Genetics
Classification: Uncertain significance for Familial thoracic aortic aneurysm and aortic dissection. Last evaluated: 2016-06-03. Review status: criteria provided, single submitter. Criteria: Ambry Variant Classification Scheme 2023. Collection method: clinical testing. Allele origin: germline.
Comment: The p.H222D variant (also known as c.664C>G), located in coding exon 1 of the SKI gene, results from a C to G substitution at nucleotide position 664. The histidine at codon 222 is replaced by aspartic acid, an amino acid with some similar properties. This variant was not reported in population based cohorts in the following databases: Database of Single Nucleotide Polymorphisms (dbSNP), Exome Aggregation Consortium (ExAC), NHLBI Exome Sequencing Project (ESP), and 1000 Genomes Project. In the ESP, this variant was not observed in 6462 samples (12924 alleles) with coverage at this position. This amino acid position is highly conserved in available vertebrate species. In addition, this alteration is predicted to be deleterious by in silico analysis. Since supporting evidence is limited at this time, the clinical significance of this alteration remains unclear.

NM_003036.4(SKI):c.664C>G (p.His222Asp)

Gene: SKI (SKI proto-oncogene; plus strand). Cytogenetic location: 1p36.33.
Variant type: single nucleotide variant.
Coding change: c.664C>G on transcript NM_003036.4 (MANE Select); coding-DNA position 664, C replaced by G.
Protein change: p.His222Asp; replaces histidine 222 with aspartic acid.
Molecular consequence: missense variant.
Genome position (GRCh38, 1-based): chr1:2,229,430, C>G. VCF-style: chr1-2229430-C-G. GRCh37 (hg19) VCF-style: chr1-2160869-C-G.
Other names: short protein forms H222D.
Identifiers: ClinVar variation 520153 (VCV000520153.5), dbSNP rs1553189999, ClinGen allele CA337954586.